The following is an entry in ClinVar:

ClinVar aggregate classification (germline): Likely benign. Review status: criteria provided, multiple submitters, no conflicts (2 of 4 stars). 2 submissions from 2 submitters: Likely benign (2). Last evaluated 2021-12-04.

Conditions:
Hereditary cancer-predisposing syndrome. Also called: Hereditary neoplastic syndrome; Hereditary Cancer Syndrome; Neoplastic Syndromes, Hereditary; Tumor predisposition. Identifiers: Orphanet 140162, MedGen C0027672, MeSH D009386, MONDO:0015356.

gnomAD v4.1: 1 of 1,614,182 alleles (0.000062%); highest among the groups gnomAD compares: Non-Finnish European, 0.000085%; no homozygotes.

Submissions (2):

Ambry Genetics
Classification: Likely benign for Hereditary cancer-predisposing syndrome. Last evaluated: 2021-12-04. Review status: criteria provided, single submitter. Criteria: Ambry Variant Classification Scheme 2023. Collection method: clinical testing. Allele origin: germline.

GeneDx
Classification: Likely benign. Last evaluated: 2017-04-05. Review status: criteria provided, single submitter. Criteria: GeneDx Variant Classification (06012015). Collection method: clinical testing. Allele origin: germline. Affected: yes.
Comment: This variant is considered likely benign or benign based on one or more of the following criteria: it is a conservative change, it occurs at a poorly conserved position in the protein, it is predicted to be benign by multiple in silico algorithms, and/or has population frequency not consistent with disease.

NM_000179.3(MSH6):c.3339T>C (p.Ile1113=)

Gene: MSH6 (mutS homolog 6; plus strand). Cytogenetic location: 2p16.3.
Variant type: single nucleotide variant.
Coding change: c.3339T>C on transcript NM_000179.3 (MANE Select); coding-DNA position 3339, T replaced by C.
Protein change: p.Ile1113=; no amino-acid change (isoleucine 1113 retained).
Molecular consequence: synonymous variant.
Genome position (GRCh38, 1-based): chr2:47,803,586, T>C. VCF-style: chr2-47803586-T-C. GRCh37 (hg19) VCF-style: chr2-48030725-T-C.
Other names: c.2949T>C, p.Ile983= (NM_001281492.2); c.2433T>C, p.Ile811= (NM_001281493.2, NM_001281494.2).
Identifiers: ClinVar variation 508637 (VCV000508637.3), dbSNP rs786202044, ClinGen allele CA426121972.